The following is an entry in ClinVar:

ClinVar aggregate classification (germline): Likely benign. Review status: criteria provided, multiple submitters, no conflicts (2 of 4 stars). 2 submissions from 2 submitters: Likely benign (2). Last evaluated 2016-03-29.

Allele frequency attached by ClinVar (database versions not stated): 1000 Genomes Project 30x 0.00953; 1000 Genomes Project 0.00958; TOPMed 0.02006; ESP Exome Variant Server 0.02153; ExAC 0.02171; gnomAD exomes 0.02198 and 0.03005; gnomAD 0.02299 and 0.02405.
gnomAD v4.1: 47,228 of 1,613,820 alleles (2.9%); highest among the groups gnomAD compares: Non-Finnish European, 3.4%; 863 homozygotes.

Submissions (2):

Laboratory for Molecular Medicine, Mass General Brigham Personalized Medicine
Classification: Likely benign. Last evaluated: 2016-03-29. Review status: criteria provided, single submitter. Criteria: LMM Criteria. Collection method: clinical testing. Allele origin: germline.
Comment: Variant identified in a genome or exome case(s) and assessed due to predicted null impact of the variant or pathogenic assertions in the literature or databases. Disclaimer: This variant has not undergone full assessment. The following are preliminary notes: ExAC frequency

Breakthrough Genomics
Classification: Likely benign. Review status: criteria provided, single submitter. Criteria: ACMG Guidelines, 2015. Collection method: not provided. Allele origin: germline. Inheritance: Unknown mechanism. Affected: yes.

NM_198505.4(ATP13A5):c.1063C>T (p.Gln355Ter)

Gene: ATP13A5 (ATPase 13A5; minus strand). Cytogenetic location: 3q29.
Variant type: single nucleotide variant.
Coding change: c.1063C>T on transcript NM_198505.4 (MANE Select); coding-DNA position 1063, C replaced by T.
Protein change: p.Gln355Ter; replaces glutamine 355 with a stop codon.
Molecular consequence: nonsense.
Genome position (GRCh38, 1-based): chr3:193,334,980, G>A on the plus strand (C>T on the coding strand, the complement: ATP13A5 is on the minus strand). VCF-style: chr3-193334980-G-A. GRCh37 (hg19) VCF-style: chr3-193052769-G-A.
Other names: short protein forms Q355*.
Identifiers: ClinVar variation 402400 (VCV000402400.5), dbSNP rs74437357, ClinGen allele CA2757284.
Genomic context (GRCh38, chr3:193,334,980, plus strand): 5'-TCCACTAACCTGTTTGCAAAACGACTGCTCGTACAGGCCCCTGCCCAGAGGGCTTGACCT[G>A]GATAACTTCTGTTCCACAGAAAAGGACGTGTTTCCTATAATCCTCCAAACTGTGACATTT-3'